The following is an entry in ClinVar:

ClinVar aggregate classification (germline): Uncertain significance (1 of 4 stars; one submission).

gnomAD v4.1: 50 of 1,611,644 alleles (0.0031%); highest among the groups gnomAD compares: African/African-American, 0.013%; no homozygotes.

Submission:

Ambry Genetics
Classification: Uncertain significance. Last evaluated: 2024-07-10. Review status: criteria provided, single submitter. Criteria: Ambry Variant Classification Scheme 2023. Collection method: clinical testing. Allele origin: germline.
Comment: The c.1810C>T (p.R604W) alteration is located in exon (coding exon ) of the SH3RF3 gene. This alteration results from a C to T substitution at nucleotide position 1810, causing the arginine (R) at amino acid position 604 to be replaced by a tryptophan (W). Based on insufficient or conflicting evidence, the clinical significance of this alteration remains unclear.

NM_001099289.3(SH3RF3):c.1810C>T (p.Arg604Trp)

Genes: RANBP2 (RAN binding protein 2; plus strand), SH3RF3 (SH3 domain containing ring finger 3; plus strand). Cytogenetic location: 2q13.
Variant type: single nucleotide variant.
Coding change: c.1810C>T on transcript NM_001099289.3 (MANE Select); coding-DNA position 1810, C replaced by T.
Protein change: p.Arg604Trp; replaces arginine 604 with tryptophan.
Molecular consequence: missense variant.
Genome position (GRCh38, 1-based): chr2:109,437,128, C>T. VCF-style: chr2-109437128-C-T. GRCh37 (hg19) VCF-style: chr2-110053584-C-T.
Other names: short protein forms R604W.
Identifiers: ClinVar variation 3441116 (VCV003441116.1).